The following is an entry in ClinVar:

ClinVar aggregate classification (germline): Uncertain significance. Review status: criteria provided, multiple submitters, no conflicts (2 of 4 stars). 2 submissions from 2 submitters: Uncertain significance (2). Last evaluated 2025-06-02.

Conditions:
Osteogenesis imperfecta type I (OI1). Also called: Lobstein disease; Osteogenesis imperfecta type 1; OI, TYPE I; OSTEOGENESIS IMPERFECTA TARDA; OSTEOGENESIS IMPERFECTA WITH BLUE SCLERAE; Lobstein's Disease. Identifiers: Orphanet 216796, Orphanet 666, MedGen C0023931, MONDO:0008146, OMIM 166200. Disease mechanism: loss of function.

Allele frequency attached by ClinVar (database versions not stated): gnomAD exomes below 0.00001.
gnomAD v4.1: 1 of 1,613,998 alleles (0.000062%); highest among the groups gnomAD compares: Admixed American, 0.0017%; no homozygotes.

Submissions (2):

Women's Health and Genetics/Laboratory Corporation of America, LabCorp
Classification: Uncertain significance. Last evaluated: 2025-06-02. Review status: criteria provided, single submitter. Criteria: LabCorp Variant Classification Summary - May 2015. Collection method: clinical testing. Allele origin: germline.
Comment: Variant summary: COL1A1 c.3578G>A (p.Ser1193Asn) results in a conservative amino acid change in the encoded protein sequence. Algorithms developed to predict the effect of missense changes on protein structure and function are either unavailable or do not agree on the potential impact of this missense change. The variant was absent in 251048 control chromosomes. The available data on variant occurrences in the general population are insufficient to allow any conclusion about variant significance. To our knowledge, no occurrence of c.3578G>A in individuals affected with Osteogenesis imperfecta type I and no experimental evidence demonstrating its impact on protein function have been reported. ClinVar contains an entry for this variant (Variation ID: 577051). Based on the evidence outlined above, the variant was classified as uncertain significance.

Labcorp Genetics (formerly Invitae), Labcorp
Classification: Uncertain significance for Osteogenesis imperfecta type I. Last evaluated: 2022-01-13. Review status: criteria provided, single submitter. Criteria: Invitae Variant Classification Sherloc (09022015). Collection method: clinical testing. Allele origin: germline.
Comment: This sequence change replaces serine, which is neutral and polar, with asparagine, which is neutral and polar, at codon 1193 of the COL1A1 protein (p.Ser1193Asn). This variant is not present in population databases (gnomAD no frequency). This variant has not been reported in the literature in individuals affected with COL1A1-related conditions. ClinVar contains an entry for this variant (Variation ID: 577051). Advanced modeling of protein sequence and biophysical properties (such as structural, functional, and spatial information, amino acid conservation, physicochemical variation, residue mobility, and thermodynamic stability) performed at Invitae indicates that this missense variant is not expected to disrupt COL1A1 protein function. In summary, the available evidence is currently insufficient to determine the role of this variant in disease. Therefore, it has been classified as a Variant of Uncertain Significance.

NM_000088.4(COL1A1):c.3578G>A (p.Ser1193Asn)

Gene: COL1A1 (collagen type I alpha 1 chain; minus strand). Cytogenetic location: 17q21.33.
Variant type: single nucleotide variant.
Coding change: c.3578G>A on transcript NM_000088.4 (MANE Select); coding-DNA position 3578, G replaced by A.
Protein change: p.Ser1193Asn; replaces serine 1193 with asparagine.
Molecular consequence: missense variant.
Genome position (GRCh38, 1-based): chr17:50,186,876, C>T on the plus strand (G>A on the coding strand, the complement: COL1A1 is on the minus strand). VCF-style: chr17-50186876-C-T. GRCh37 (hg19) VCF-style: chr17-48264237-C-T.
Other names: short protein forms S1193N.
Identifiers: ClinVar variation 577051 (VCV000577051.12), dbSNP rs1567753025, ClinGen allele CA400198179.